The following is an entry in ClinVar:

NM_020937.4(FANCM):c.4440A>G (p.Gln1480=)

Gene: FANCM (FA complementation group M; plus strand). Cytogenetic location: 14q21.2.
Variant type: single nucleotide variant.
Coding change: c.4440A>G on transcript NM_020937.4 (MANE Select); coding-DNA position 4440, A replaced by G.
Protein change: p.Gln1480=; no amino-acid change (glutamine 1480 retained).
Molecular consequence: synonymous variant.
Genome position (GRCh38, 1-based): chr14:45,183,827, A>G. VCF-style: chr14-45183827-A-G. GRCh37 (hg19) VCF-style: chr14-45653030-A-G.
Other names: c.4362A>G, p.Gln1454= (NM_001308133.2).
Identifiers: ClinVar variation 1445603 (VCV001445603.7), dbSNP rs567425336, ClinGen allele CA259634083.

ClinVar aggregate classification (germline): Conflicting classifications of pathogenicity. Review status: criteria provided, conflicting classifications (1 of 4 stars). 3 submissions from 3 submitters: Uncertain significance (2); Likely benign (1). Last evaluated 2026-08-06.

Conditions:
Spermatogenic failure 28. Identifiers: MedGen C4748117, MONDO:0054732, OMIM 618086.
Hereditary cancer. Identifiers: MedGen C1333600.
Fanconi anemia (FA). Also called: Fanconi's anemia. Identifiers: Orphanet 84, MedGen C0015625, MeSH D005199, MONDO:0019391.

Allele frequency attached by ClinVar (database versions not stated): gnomAD exomes 0.00001 and below 0.00001; gnomAD 0.00002 and 0.00001; TOPMed below 0.00001.
gnomAD v4.1: 19 of 1,608,510 alleles (0.0012%); highest among the groups gnomAD compares: Admixed American, 0.0017%; no homozygotes.

Submissions (3):

OLLIN Analises Genomicas, OLLIN
Classification: Uncertain significance for Spermatogenic failure 28. Last evaluated: 2026-08-06. Review status: criteria provided, single submitter. Criteria: ACMG Guidelines 2015 PMID 25741868. Collection method: clinical testing. Allele origin: germline. Inheritance: Autosomal recessive inheritance.
Comment: This synonymous variant, located in exon 17 (of 23), has been reported in ClinVar (accession VCV001445603.6) and in gnomAD with an allele frequency of 0.0012%. However, to our knowledge, it has not been reported in the scientific literature. According to the currently available evidence, this variant has been classified as uncertain significance (PP3).

Mendelics
Classification: Likely benign for Hereditary cancer. Last evaluated: 2025-02-26. Review status: criteria provided, single submitter. Criteria: ACMG Guidelines, 2015. Collection method: clinical testing. Allele origin: unknown.
Comment: This variant is considered likely benign or benign based on one or more of the following: it is predicted to be benign by multiple in silico algorithms, and/or has population frequency not consistent with disease, and/or has normal protein function, and/or has lack of segregation with disease, and/or has been detected in co-occurrence with known pathogenic variant, and/or has lack of disease association in case-control studies, and/or is located in a region inconsistent with a known cause of pathogenicity.

Labcorp Genetics (formerly Invitae), Labcorp
Classification: Uncertain significance for Fanconi anemia. Last evaluated: 2025-01-06. Review status: criteria provided, single submitter. Criteria: Invitae Variant Classification Sherloc (09022015). Collection method: clinical testing. Allele origin: germline.
Comment: This sequence change affects codon 1480 of the FANCM mRNA. It is a 'silent' change, meaning that it does not change the encoded amino acid sequence of the FANCM protein. This variant is present in population databases (rs567425336, gnomAD 0.0009%). This variant has not been reported in the literature in individuals affected with FANCM-related conditions. ClinVar contains an entry for this variant (Variation ID: 1445603). Algorithms developed to predict the effect of sequence changes on RNA splicing suggest that this variant may disrupt the consensus splice site. In summary, the available evidence is currently insufficient to determine the role of this variant in disease. Therefore, it has been classified as a Variant of Uncertain Significance.